The following is an entry in ClinVar:

NM_001250.6(CD40):c.344C>A (p.Ala115Asp)

Gene: CD40 (CD40 molecule; plus strand). Cytogenetic location: 20q13.12.
Variant type: single nucleotide variant.
Coding change: c.344C>A on transcript NM_001250.6 (MANE Select); coding-DNA position 344, C replaced by A.
Protein change: p.Ala115Asp; replaces alanine 115 with aspartic acid.
Molecular consequence: missense variant. On other transcripts: non-coding transcript variant (2).
Genome position (GRCh38, 1-based): chr20:46,122,697, C>A. VCF-style: chr20-46122697-C-A. GRCh37 (hg19) VCF-style: chr20-44751336-C-A.
Other names: c.344C>A, p.Ala115Asp (NM_001302753.2, NM_001322421.2, NM_001322422.2 and 3 more transcripts); short protein forms A115D.
Identifiers: ClinVar variation 4798986 (VCV004798986.1).

ClinVar aggregate classification (germline): Uncertain significance (1 of 4 stars; one submission).

gnomAD v4.1: 33 of 1,614,136 alleles (0.002%); highest among the groups gnomAD compares: South Asian, 0.035%; no homozygotes.

Submission:

Labcorp Genetics (formerly Invitae), Labcorp
Classification: Uncertain significance. Last evaluated: 2025-12-03. Review status: criteria provided, single submitter. Criteria: Invitae Variant Classification Sherloc (09022015). Collection method: clinical testing. Allele origin: germline.
Comment: This sequence change replaces alanine, which is neutral and non-polar, with aspartic acid, which is acidic and polar, at codon 115 of the CD40 protein (p.Ala115Asp). This variant is present in population databases (rs537489349, gnomAD 0.04%). This variant has not been reported in the literature in individuals affected with CD40-related conditions. Invitae Evidence Modeling of protein sequence and biophysical properties (such as structural, functional, and spatial information, amino acid conservation, physicochemical variation, residue mobility, and thermodynamic stability) indicates that this missense variant is not expected to disrupt CD40 protein function with a negative predictive value of 80%. In summary, the available evidence is currently insufficient to determine the role of this variant in disease. Therefore, it has been classified as a Variant of Uncertain Significance.